The following is an entry in ClinVar:

ClinVar aggregate classification (germline): Uncertain significance (1 of 4 stars; one submission).

Conditions:
Ataxia-telangiectasia syndrome (AT). Also called: Cerebello-oculocutaneous telangiectasia; Immunodeficiency with ataxia telangiectasia; ATAXIA-TELANGIECTASIA, COMPLEMENTATION GROUP A; ATAXIA-TELANGIECTASIA, FRESNO VARIANT; LOUIS-BAR SYNDROME; Ataxia-telangiectasia, complementation group E. Identifiers: Orphanet 100, MedGen C0004135, MONDO:0008840, OMIM 208900.

Allele frequency attached by ClinVar (database versions not stated): gnomAD exomes below 0.00001; TOPMed below 0.00001; ExAC 0.00001; gnomAD 0.00001.
gnomAD v4.1: 1 of 1,614,068 alleles (0.000062%); highest among the groups gnomAD compares: African/African-American, 0.0013%; no homozygotes.

Submission:

Labcorp Genetics (formerly Invitae), Labcorp
Classification: Uncertain significance for Ataxia-telangiectasia syndrome. Last evaluated: 2025-04-07. Review status: criteria provided, single submitter. Criteria: Invitae Variant Classification Sherloc (09022015). Collection method: clinical testing. Allele origin: germline.
Comment: This sequence change replaces leucine, which is neutral and non-polar, with valine, which is neutral and non-polar, at codon 481 of the ATM protein (p.Leu481Val). This variant is present in population databases (rs775080283, gnomAD 0.007%). This variant has not been reported in the literature in individuals affected with ATM-related conditions. ClinVar contains an entry for this variant (Variation ID: 1016963). Invitae Evidence Modeling of protein sequence and biophysical properties (such as structural, functional, and spatial information, amino acid conservation, physicochemical variation, residue mobility, and thermodynamic stability) indicates that this missense variant is not expected to disrupt ATM protein function with a negative predictive value of 95%. In summary, the available evidence is currently insufficient to determine the role of this variant in disease. Therefore, it has been classified as a Variant of Uncertain Significance.

NM_000051.4(ATM):c.1441T>G (p.Leu481Val)

Gene: ATM (ATM serine/threonine kinase; plus strand). Cytogenetic location: 11q22.3.
Variant type: single nucleotide variant.
Coding change: c.1441T>G on transcript NM_000051.4 (MANE Select); coding-DNA position 1441, T replaced by G.
Protein change: p.Leu481Val; replaces leucine 481 with valine.
Molecular consequence: missense variant.
Genome position (GRCh38, 1-based): chr11:108,250,906, T>G. VCF-style: chr11-108250906-T-G. GRCh37 (hg19) VCF-style: chr11-108121633-T-G.
Other names: c.1441T>G, p.Leu481Val (NM_001351834.2); short protein forms L481V.
Identifiers: ClinVar variation 1016963 (VCV001016963.8), dbSNP rs775080283, ClinGen allele CA6264816.
Genomic context (GRCh38, chr11:108,250,906, plus strand): 5'-GAAGTTGCATTGTGTCAAGACAAGAGGTCAAACCTAGAAAGCTCACAAAAGTCAGATTTA[T>G]TAAAACTCTGGAATAAAATTTGGTGTATTACCTTTCGTGGTATAAGTTCTGAGCAAATAC-3'
Protein context (NP_000042.3, residues 471-491): NLESSQKSDL[Leu481Val]KLWNKIWCIT